The following is an entry in ClinVar:

NM_001852.4(COL9A2):c.976C>T (p.Gln326Ter)

Gene: COL9A2 (collagen type IX alpha 2 chain; minus strand). Cytogenetic location: 1p34.2.
Variant type: single nucleotide variant.
Coding change: c.976C>T on transcript NM_001852.4 (MANE Select); coding-DNA position 976, C replaced by T.
Protein change: p.Gln326Ter; replaces glutamine 326 with a stop codon.
Molecular consequence: nonsense.
Genome position (GRCh38, 1-based): chr1:40,307,478, G>A on the plus strand (C>T on the coding strand, the complement: COL9A2 is on the minus strand). VCF-style: chr1-40307478-G-A. GRCh37 (hg19) VCF-style: chr1-40773150-G-A.
Other names: p.Gln326*; short protein forms Q326*.
Identifiers: ClinVar variation 258398 (VCV000258398.11), dbSNP rs12077871, ClinGen allele CA791646.

ClinVar aggregate classification (germline): Benign/Likely benign. Review status: criteria provided, multiple submitters, no conflicts (2 of 4 stars). 7 submissions from 7 submitters: Benign (5); Likely benign (2). Last evaluated 2024-11-26.

Conditions:
Epiphyseal dysplasia, multiple, 2 (EDM2). Also called: COL9A2-Related Multiple Epiphyseal Dysplasia. Identifiers: MedGen C1838429, MONDO:0010844, OMIM 600204.

Allele frequency attached by ClinVar (database versions not stated): ESP Exome Variant Server 0.03137; gnomAD 0.04025 and 0.04036; TOPMed 0.04651; 1000 Genomes Project 0.06390; 1000 Genomes Project 30x 0.06433.
gnomAD v4.1: 22,894 of 1,614,022 alleles (1.4%); highest among the groups gnomAD compares: East Asian, 12%; 939 homozygotes.

Submissions (7):

Blueprint Genetics
Classification: Benign. Last evaluated: 2024-11-26. Review status: criteria provided, single submitter. Criteria: ACMG Guidelines, 2015. Collection method: clinical testing. Allele origin: germline.

Mayo Clinic Laboratories, Mayo Clinic
Classification: Benign. Last evaluated: 2024-11-06. Review status: criteria provided, single submitter. Criteria: ACMG Guidelines, 2015. Collection method: clinical testing. Allele origin: germline. Observed: 1 variant allele.
Comment: BA1, BS2

Dubai Health Genomic Medicine Center, Dubai Health
Classification: Benign. Last evaluated: 2020-03-25. Review status: criteria provided, single submitter. Criteria: ACMG Guidelines, 2015. Collection method: clinical testing. Allele origin: germline. Affected: yes.

Illumina Laboratory Services, Illumina
Classification: Likely benign for Epiphyseal dysplasia, multiple, 2. Last evaluated: 2017-04-27. Review status: criteria provided, single submitter. Criteria: ICSL Variant Classification Criteria 13 December 2019. Collection method: clinical testing. Allele origin: germline.
Comment: This variant was observed as part of a predisposition screen in an ostensibly healthy population. A literature search was performed for the gene, cDNA change, and amino acid change (where applicable). No publications were found based on this search. Allele frequency data from public databases allowed determination this variant is unlikely to cause disease. Therefore, this variant is classified as likely benign.

GeneDx
Classification: Benign. Last evaluated: 2016-12-13. Review status: criteria provided, single submitter. Criteria: GeneDx Variant Classification (06012015). Collection method: clinical testing. Allele origin: germline. Affected: yes.
Comment: This variant is considered likely benign or benign based on one or more of the following criteria: it is a conservative change, it occurs at a poorly conserved position in the protein, it is predicted to be benign by multiple in silico algorithms, and/or has population frequency not consistent with disease.

Breakthrough Genomics
Classification: Likely benign. Review status: criteria provided, single submitter. Criteria: ACMG Guidelines, 2015. Collection method: not provided. Allele origin: germline. Inheritance: Autosomal recessive inheritance. Affected: yes.

PreventionGenetics, part of Exact Sciences
Classification: Benign. Review status: criteria provided, single submitter. Criteria: ACMG Guidelines, 2015. Collection method: clinical testing. Allele origin: germline.